The following is an entry in ClinVar:

ClinVar aggregate classification (germline): Uncertain significance (0 of 4 stars; one submission).

Conditions:
SEMA3E-related disorder. Also called: SEMA3E-related condition.

gnomAD v4.1: 8 of 1,613,096 alleles (0.0005%); highest among the groups gnomAD compares: Middle Eastern, 0.017%; no homozygotes.

Submission:

PreventionGenetics, part of Exact Sciences
Classification: Uncertain significance for SEMA3E-related condition. Last evaluated: 2024-01-03. Review status: no assertion criteria provided. Collection method: clinical testing. Allele origin: germline.
Comment: The SEMA3E c.889C>T variant is predicted to result in the amino acid substitution p.Pro297Ser. To our knowledge, this variant has not been reported in the literature. This variant is reported in 0.027% of alleles in individuals of East Asian descent in gnomAD. At this time, the clinical significance of this variant is uncertain due to the absence of conclusive functional and genetic evidence.

NM_012431.3(SEMA3E):c.889C>T (p.Pro297Ser)

Gene: SEMA3E (semaphorin 3E; minus strand). Cytogenetic location: 7q21.11.
Variant type: single nucleotide variant.
Coding change: c.889C>T on transcript NM_012431.3 (MANE Select); coding-DNA position 889, C replaced by T.
Protein change: p.Pro297Ser; replaces proline 297 with serine.
Molecular consequence: missense variant.
Genome position (GRCh38, 1-based): chr7:83,405,984, G>A on the plus strand (C>T on the coding strand, the complement: SEMA3E is on the minus strand). VCF-style: chr7-83405984-G-A. GRCh37 (hg19) VCF-style: chr7-83035300-G-A.
Other names: c.709C>T, p.Pro237Ser (NM_001178129.2); short protein forms P237S, P297S.
Identifiers: ClinVar variation 3355340 (VCV003355340.1).